The following is an entry in ClinVar:

ClinVar aggregate classification (germline): Uncertain significance (1 of 4 stars; one submission).

Submission:

GeneDx
Classification: Uncertain significance. Last evaluated: 2026-03-04. Review status: criteria provided, single submitter. Criteria: GeneDx Variant Classification Process June 2021. Collection method: clinical testing. Allele origin: germline.
Comment: Not observed at significant frequency in large population cohorts (gnomAD); In silico analysis supports that this missense variant has a deleterious effect on protein structure/function; Has not been previously published as pathogenic or benign to our knowledge

NM_006946.4(SPTBN2):c.482A>C (p.Gln161Pro)

Gene: SPTBN2 (spectrin beta, non-erythrocytic 2; minus strand). Cytogenetic location: 11q13.2.
Variant type: single nucleotide variant.
Coding change: c.482A>C on transcript NM_006946.4 (MANE Select); coding-DNA position 482, A replaced by C.
Protein change: p.Gln161Pro; replaces glutamine 161 with proline.
Molecular consequence: missense variant.
Genome position (GRCh38, 1-based): chr11:66,715,223, T>G on the plus strand (A>C on the coding strand, the complement: SPTBN2 is on the minus strand). VCF-style: chr11-66715223-T-G. GRCh37 (hg19) VCF-style: chr11-66482694-T-G.
Other names: c.503A>C, p.Gln168Pro (NM_001411025.1); c.482A>C, p.Gln161Pro (NM_001437541.1); short protein forms Q161P, Q168P.
Identifiers: ClinVar variation 5008382 (VCV005008382.1).